The following is an entry in ClinVar:

NM_000059.4(BRCA2):c.10213G>C (p.Glu3405Gln)

Gene: BRCA2 (BRCA2 DNA repair associated; plus strand). Cytogenetic location: 13q13.1.
Variant type: single nucleotide variant.
Coding change: c.10213G>C on transcript NM_000059.4 (MANE Select); coding-DNA position 10213, G replaced by C.
Protein change: p.Glu3405Gln; replaces glutamic acid 3405 with glutamine.
Molecular consequence: missense variant.
Genome position (GRCh38, 1-based): chr13:32,398,726, G>C. VCF-style: chr13-32398726-G-C. GRCh37 (hg19) VCF-style: chr13-32972863-G-C.
Other names: short protein forms E3405Q.
Identifiers: ClinVar variation 441512 (VCV000441512.17), dbSNP rs1555290071, ClinGen allele CA387768478.

ClinVar aggregate classification (germline): Uncertain significance. Review status: criteria provided, multiple submitters, no conflicts (2 of 4 stars). 3 submissions from 3 submitters: Uncertain significance (3). Last evaluated 2025-08-17.

Conditions:
Hereditary cancer-predisposing syndrome. Also called: Hereditary Cancer Syndrome; Hereditary neoplastic syndrome; Neoplastic Syndromes, Hereditary; Tumor predisposition. Identifiers: Orphanet 140162, MedGen C0027672, MeSH D009386, MONDO:0015356.
Hereditary breast ovarian cancer syndrome. Also called: Hereditary breast and ovarian cancer; Breast and ovarian cancer; Hereditary breast and ovarian cancer syndrome; Hereditary breast and/or ovarian cancer syndrome; BRCA1- and BRCA2-Associated Hereditary Breast and Ovarian Cancer; Hereditary breast and ovarian cancer syndrome (HBOC). Identifiers: Orphanet 145, MedGen C0677776, MeSH D061325, MONDO:0003582. Disease mechanism: loss of function.

Submissions (3):

Labcorp Genetics (formerly Invitae), Labcorp
Classification: Uncertain significance for Hereditary breast ovarian cancer syndrome. Last evaluated: 2025-08-17. Review status: criteria provided, single submitter. Criteria: Invitae Variant Classification Sherloc (09022015). Collection method: clinical testing. Allele origin: germline.
Comment: This sequence change replaces glutamic acid, which is acidic and polar, with glutamine, which is neutral and polar, at codon 3405 of the BRCA2 protein (p.Glu3405Gln). This variant is not present in population databases (gnomAD no frequency). This variant has not been reported in the literature in individuals affected with BRCA2-related conditions. ClinVar contains an entry for this variant (Variation ID: 441512). Invitae Evidence Modeling of protein sequence and biophysical properties (such as structural, functional, and spatial information, amino acid conservation, physicochemical variation, residue mobility, and thermodynamic stability) indicates that this missense variant is not expected to disrupt BRCA2 protein function with a negative predictive value of 95%. In summary, the available evidence is currently insufficient to determine the role of this variant in disease. Therefore, it has been classified as a Variant of Uncertain Significance.

Ambry Genetics
Classification: Uncertain significance for Hereditary cancer-predisposing syndrome. Last evaluated: 2024-05-07. Review status: criteria provided, single submitter. Criteria: Ambry Variant Classification Scheme 2023. Collection method: clinical testing. Allele origin: germline.
Comment: The p.E3405Q variant (also known as c.10213G>C), located in coding exon 26 of the BRCA2 gene, results from a G to C substitution at nucleotide position 10213. The glutamic acid at codon 3405 is replaced by glutamine, an amino acid with highly similar properties. This variant was not reported in population based cohorts in the following databases: Database of Single Nucleotide Polymorphisms (dbSNP), NHLBI Exome Sequencing Project (ESP), and 1000 Genomes Project. In the ESP, this variant was not observed in 6503 samples (13006 alleles) with coverage at this position. To date, this alteration has been detected with an allele frequency of approximately 0.0003% (greater than 300000 alleles tested) in our clinical cohort. This amino acid position is not well conserved in available vertebrate species. In addition, this alteration is predicted to be tolerated by in silico analysis. Since supporting evidence is limited at this time, the clinical significance of this alteration remains unclear.

Color Diagnostics, LLC DBA Color Health
Classification: Uncertain significance for Hereditary cancer-predisposing syndrome. Last evaluated: 2019-04-03. Review status: criteria provided, single submitter. Criteria: ACMG Guidelines, 2015. Collection method: clinical testing. Allele origin: germline.